The following is an entry in ClinVar:

ClinVar aggregate classification (germline): Uncertain significance. Review status: criteria provided, multiple submitters, no conflicts (2 of 4 stars). 2 submissions from 2 submitters: Uncertain significance (2). Last evaluated 2025-07-20.

Conditions:
GTP cyclohydrolase I deficiency. Identifiers: MedGen C0268467, MONDO:0100184.
Dystonia 5 (DRD). Also called: DYT-GCH1; DYSTONIA, PROGRESSIVE, WITH DIURNAL VARIATION; DYSTONIA-PARKINSONISM WITH DIURNAL FLUCTUATION; GTP Cyclohydrolase 1-Deficient Dopa-Responsive Dystonia; Dystonia, DOPA-responsive, with or without hyperphenylalaninemia. Identifiers: Orphanet 98808, MedGen C1851920, MONDO:0007495, OMIM 128230.

Submissions (2):

Labcorp Genetics (formerly Invitae), Labcorp
Classification: Uncertain significance for GTP cyclohydrolase I deficiency; Dystonia 5. Last evaluated: 2025-07-20. Review status: criteria provided, single submitter. Criteria: Invitae Variant Classification Sherloc (09022015). Collection method: clinical testing. Allele origin: germline.
Comment: This sequence change replaces arginine, which is basic and polar, with tryptophan, which is neutral and slightly polar, at codon 235 of the GCH1 protein (p.Arg235Trp). This variant is not present in population databases (gnomAD no frequency). This missense change has been observed in individual(s) with tetrahydrobiopterin (BH4)-deficient hyperphenylalaninemia (PMID: 23660475). In at least one individual the data is consistent with being in trans (on the opposite chromosome) from a pathogenic variant. ClinVar contains an entry for this variant (Variation ID: 3629548). Invitae Evidence Modeling of protein sequence and biophysical properties (such as structural, functional, and spatial information, amino acid conservation, physicochemical variation, residue mobility, and thermodynamic stability) indicates that this missense variant is expected to disrupt GCH1 protein function with a positive predictive value of 80%. Algorithms developed to predict the effect of sequence changes on RNA splicing suggest that this variant may disrupt the consensus splice site. This variant disrupts the p.Arg235 amino acid residue in GCH1. Other variant(s) that disrupt this residue have been observed in individuals with GCH1-related conditions (PMID: 34997870), which suggests that this may be a clinically significant amino acid residue. In summary, the available evidence is currently insufficient to determine the role of this variant in disease. Therefore, it has been classified as a Variant of Uncertain Significance.

Women's Health and Genetics/Laboratory Corporation of America, LabCorp
Classification: Uncertain significance. Last evaluated: 2024-11-26. Review status: criteria provided, single submitter. Criteria: LabCorp Variant Classification Summary - May 2015. Collection method: clinical testing. Allele origin: germline.
Comment: Variant summary: GCH1 c.703C>T (p.Arg235Trp) results in a non-conservative amino acid change located in the GTP cyclohydrolase I domain (IPR020602) of the encoded protein sequence. Five of five in-silico tools predict a damaging effect of the variant on protein function. The variant allele was found at a frequency of 4e-06 in 248970 control chromosomes. The available data on variant occurrences in the general population are insufficient to allow any conclusion about variant significance. c.703C>T has been reported in the literature inat least one compound heterozygous individual affected with GTP Cyclohydrolase I Deficiency (Sato_2014). These data do not allow any conclusion about variant significance. To our knowledge, no experimental evidence demonstrating an impact on protein function has been reported. The following publication has been ascertained in the context of this evaluation (PMID: 23660475). No submitters have cited clinical-significance assessments for this variant to ClinVar. Based on the evidence outlined above, the variant was classified as uncertain significance.

Literature cited by the submitters: PubMed 23660475 (cited by Labcorp Genetics (formerly Invitae), Labcorp and Women's Health and Genetics/Laboratory Corporation of America, LabCorp); PubMed 34997870 (cited by Labcorp Genetics (formerly Invitae), Labcorp).

NM_000161.3(GCH1):c.703C>T (p.Arg235Trp)

Gene: GCH1 (GTP cyclohydrolase 1; minus strand). Cytogenetic location: 14q22.2.
Variant type: single nucleotide variant.
Coding change: c.703C>T on transcript NM_000161.3 (MANE Select); coding-DNA position 703, C replaced by T.
Protein change: p.Arg235Trp; replaces arginine 235 with tryptophan.
Molecular consequence: missense variant. On other transcripts: intron variant (3).
Genome position (GRCh38, 1-based): chr14:54,844,067, G>A on the plus strand (C>T on the coding strand, the complement: GCH1 is on the minus strand). VCF-style: chr14-54844067-G-A. GRCh37 (hg19) VCF-style: chr14-55310785-G-A.
Other names: c.703C>T, p.Arg235Trp (NM_001024024.2); c.409C>T, p.Arg137Trp (NM_001424105.1); c.510-1013C>T (NM_001424104.1); c.627-1013C>T (NM_001024071.2); c.627-198C>T (NM_001024070.2); short protein forms R137W, R235W.
Identifiers: ClinVar variation 3629548 (VCV003629548.4).